The following is an entry in ClinVar:

ClinVar aggregate classification (germline): Likely benign (1 of 4 stars; one submission).

Allele frequency attached by ClinVar (database versions not stated): TOPMed 0.00001 and 0.00002.

Submission:

GeneDx
Classification: Likely benign. Last evaluated: 2017-03-10. Review status: criteria provided, single submitter. Criteria: GeneDx Variant Classification (06012015). Collection method: clinical testing. Allele origin: germline. Affected: yes.
Comment: This variant is considered likely benign or benign based on one or more of the following criteria: it is a conservative change, it occurs at a poorly conserved position in the protein, it is predicted to be benign by multiple in silico algorithms, and/or has population frequency not consistent with disease.

NM_001134407.3(GRIN2A):c.3387C>T (p.His1129=)

Gene: GRIN2A (glutamate ionotropic receptor NMDA type subunit 2A; minus strand). Cytogenetic location: 16p13.2.
Variant type: single nucleotide variant.
Coding change: c.3387C>T on transcript NM_001134407.3 (MANE Select); coding-DNA position 3387, C replaced by T.
Protein change: p.His1129=; no amino-acid change (histidine 1129 retained).
Molecular consequence: synonymous variant.
Genome position (GRCh38, 1-based): chr16:9,764,157, G>A on the plus strand (C>T on the coding strand, the complement: GRIN2A is on the minus strand). VCF-style: chr16-9764157-G-A. GRCh37 (hg19) VCF-style: chr16-9858014-G-A.
Other names: c.3387C>T, p.His1129= (NM_000833.5, NM_001134408.2).
Identifiers: ClinVar variation 507964 (VCV000507964.1), dbSNP rs1223085313, ClinGen allele CA493692930.
Genomic context (GRCh38, chr16:9,764,157, plus strand): 5'-GTCCGGGAAGTCCACGTTCTCGGGCAGGGTCACATTTTCAACAAACTGGGGTGGATCTAA[G>A]TGGAAACCAGGCTCCTTCTCACCATCTATAGTGTAGATCTTGTCTCTAGGGGAGCTTGAT-3'
Protein context (NP_001127879.1, residues 1119-1139): TIDGEKEPGF[His1129=]LDPPQFVENV